The following is an entry in ClinVar:

ClinVar aggregate classification (germline): Uncertain significance. Review status: criteria provided, multiple submitters, no conflicts (2 of 4 stars). 2 submissions from 2 submitters: Uncertain significance (2). Last evaluated 2025-07-14.

Conditions:
Inborn genetic diseases. Identifiers: MedGen C0950123, MeSH D030342.
Developmental and epileptic encephalopathy, 30 (DEE30). Also called: Epileptic encephalopathy, early infantile, 30. Identifiers: MedGen C4225360, MONDO:0014595, OMIM 616341.

Allele frequency attached by ClinVar (database versions not stated): gnomAD exomes 0.00001.

Submissions (2):

Labcorp Genetics (formerly Invitae), Labcorp
Classification: Uncertain significance for Developmental and epileptic encephalopathy, 30. Last evaluated: 2025-07-14. Review status: criteria provided, single submitter. Criteria: Invitae Variant Classification Sherloc (09022015). Collection method: clinical testing. Allele origin: germline.
Comment: This sequence change replaces leucine, which is neutral and non-polar, with phenylalanine, which is neutral and non-polar, at codon 369 of the SIK1 protein (p.Leu369Phe). This variant is present in population databases (no rsID available, gnomAD 0.005%). This variant has not been reported in the literature in individuals affected with SIK1-related conditions. ClinVar contains an entry for this variant (Variation ID: 841873). Invitae Evidence Modeling of protein sequence and biophysical properties (such as structural, functional, and spatial information, amino acid conservation, physicochemical variation, residue mobility, and thermodynamic stability) indicates that this missense variant is not expected to disrupt SIK1 protein function with a negative predictive value of 95%. In summary, the available evidence is currently insufficient to determine the role of this variant in disease. Therefore, it has been classified as a Variant of Uncertain Significance.

Ambry Genetics
Classification: Uncertain significance for Inborn genetic diseases. Last evaluated: 2022-10-05. Review status: criteria provided, single submitter. Criteria: Ambry Variant Classification Scheme 2023. Collection method: clinical testing. Allele origin: germline.

NM_173354.5(SIK1):c.1105C>T (p.Leu369Phe)

Gene: SIK1 (salt inducible kinase 1; minus strand). Cytogenetic location: 21q22.3.
Variant type: single nucleotide variant.
Coding change: c.1105C>T on transcript NM_173354.5 (MANE Select); coding-DNA position 1105, C replaced by T.
Protein change: p.Leu369Phe; replaces leucine 369 with phenylalanine.
Molecular consequence: missense variant.
Genome position (GRCh38, 1-based): chr21:43,419,873, G>A on the plus strand (C>T on the coding strand, the complement: SIK1 is on the minus strand). VCF-style: chr21-43419873-G-A. GRCh37 (hg19) VCF-style: chr21-44839753-G-A.
Other names: short protein forms L369F.
Identifiers: ClinVar variation 841873 (VCV000841873.11), dbSNP rs1396148473, ClinGen allele CA410608730.